The following is an entry in ClinVar:

ClinVar aggregate classification (germline): Likely pathogenic (1 of 4 stars; one submission).

Allele frequency attached by ClinVar (database versions not stated): TOPMed below 0.00001; gnomAD exomes 0.00001.

Submission:

GeneDx
Classification: Likely pathogenic. Last evaluated: 2023-02-24. Review status: criteria provided, single submitter. Criteria: GeneDx Variant Classification Process June 2021. Collection method: clinical testing. Allele origin: germline. Affected: yes.
Comment: Nonsense variant predicted to result in protein truncation or nonsense mediated decay in a gene for which loss-of-function is a known mechanism of disease; Not observed at significant frequency in large population cohorts (gnomAD); Has not been previously published as pathogenic or benign to our knowledge

NM_005881.4(BCKDK):c.433C>T (p.Gln145Ter)

Gene: BCKDK (branched chain keto acid dehydrogenase kinase; plus strand). Cytogenetic location: 16p11.2.
Variant type: single nucleotide variant.
Coding change: c.433C>T on transcript NM_005881.4 (MANE Select); coding-DNA position 433, C replaced by T.
Protein change: p.Gln145Ter; replaces glutamine 145 with a stop codon.
Molecular consequence: nonsense.
Genome position (GRCh38, 1-based): chr16:31,110,214, C>T. VCF-style: chr16-31110214-C-T. GRCh37 (hg19) VCF-style: chr16-31121535-C-T.
Other names: c.433C>T, p.Gln145Ter (NM_001122957.4, NM_001271926.3); short protein forms Q145*.
Identifiers: ClinVar variation 2430650 (VCV002430650.1), dbSNP rs371569147, ClinGen allele CA280571645.
Genomic context (GRCh38, chr16:31,110,214, plus strand): 5'-GCTGAGAGGTTGGGCTTGGACCACCCTTCCTCATGACTCTGTGACCTGCAGATCAAGGAC[C>T]AGGCGGACGAGGCCCAGTACTGCCAGCTGGTGCGACAGCTGCTGGATGACCACAAGGATG-3'